The following is an entry in ClinVar:

NM_007294.4(BRCA1):c.5539T>C (p.Cys1847Arg)

Gene: BRCA1 (BRCA1 DNA repair associated; minus strand). Cytogenetic location: 17q21.31.
Variant type: single nucleotide variant.
Coding change: c.5539T>C on transcript NM_007294.4 (MANE Select); coding-DNA position 5539, T replaced by C.
Protein change: p.Cys1847Arg; replaces cysteine 1847 with arginine.
Molecular consequence: missense variant. On other transcripts: 3 prime UTR variant (1), non-coding transcript variant (1).
Genome position (GRCh38, 1-based): chr17:43,045,731, A>G on the plus strand (T>C on the coding strand, the complement: BRCA1 is on the minus strand). VCF-style: chr17-43045731-A-G. GRCh37 (hg19) VCF-style: chr17-41197748-A-G.
Other names: c.5536T>C, p.Cys1846Arg (NM_001407611.1, NM_001407612.1, NM_001407613.1 and 14 more transcripts); c.2227T>C, p.Cys743Arg (NM_001407991.1, NM_001407992.1, NM_001407993.1 and 11 more transcripts); c.2224T>C, p.Cys742Arg (NM_001408392.1, NM_001408396.1, NM_001408397.1 and 7 more transcripts); c.2149T>C, p.Cys717Arg (NM_001408412.1, NM_001408413.1, NM_001408414.1 and 2 more transcripts); c.2113T>C, p.Cys705Arg (NM_001408418.1, NM_001408419.1, NM_001408420.1); c.2110T>C, p.Cys704Arg (NM_001408421.1, NM_001408422.1, NM_001408423.1 and 1 more transcripts); c.2104T>C, p.Cys702Arg (NM_001408432.1, NM_001408433.1, NM_001408434.1 and 10 more transcripts); c.2089T>C, p.Cys697Arg (NM_001408452.1, NM_001408453.1, NM_001408454.1 and 3 more transcripts); and 74 more; short protein forms C1800R, C1847R, C1868R, C743R, C567R, C677R, C696R, C703R.
Identifiers: ClinVar variation 867636 (VCV000867636.3), dbSNP rs2050866725, ClinGen allele CA10590245.
Genomic context (GRCh38, chr17:43,045,731, plus strand): 5'-GCTGCAGTCAGTAGTGGCTGTGGGGGATCTGGGGTATCAGGTAGGTGTCCAGCTCCTGGC[A>G]CTGGTAGAGTGCTACACTGTCCAACACCCACTCTCGGGTCACCACAGGTGCCTCACACAT-3'
Protein context (NP_009225.1, residues 1837-1857): WVLDSVALYQ[Cys1847Arg]QELDTYLIPQ

Conditions:
Breast-ovarian cancer, familial, susceptibility to, 1 (BROVCA1). Also called: BRCA1 Hereditary Breast and Ovarian Cancer; OVARIAN CANCER, SUSCEPTIBILITY TO. Identifiers: Orphanet 145, MedGen C2676676, MONDO:0011450, OMIM 604370. Disease mechanism: loss of function.

Submission:

Brotman Baty Institute, University of Washington
No classification provided (evidence only). Condition: Breast-ovarian cancer, familial 1. Review status: no classification provided. Collection method: in vitro. Allele origin: not applicable. Functional consequence: functionally_normal.
ClinVar note: "not provided" was previously submitted as the classification for the variant. However, the classification appeared to be based only on an observation of functional data so it was converted to no classification on 2025-07-30.